The following is an entry in ClinVar:

ClinVar aggregate classification (germline): Likely benign. Review status: criteria provided, multiple submitters, no conflicts (2 of 4 stars). 4 submissions from 4 submitters: Likely benign (4). Last evaluated 2024-05-29.

Conditions:
Dilated cardiomyopathy 1DD (CMD1DD). Identifiers: Orphanet 154, MedGen C2750995, MONDO:0013168, OMIM 613172.
Cardiovascular phenotype. Identifiers: MedGen CN230736.

Allele frequency attached by ClinVar (database versions not stated): gnomAD exomes below 0.00001; gnomAD 0.00001.
gnomAD v4.1: 6 of 1,513,350 alleles (0.0004%); highest among the groups gnomAD compares: Non-Finnish European, 0.00053%; no homozygotes.

Submissions (4):

Blueprint Genetics
Classification: Likely benign. Last evaluated: 2024-05-29. Review status: criteria provided, single submitter. Criteria: ACMG Guidelines, 2015. Collection method: clinical testing. Allele origin: germline.

CeGaT Center for Human Genetics Tuebingen
Classification: Likely benign. Last evaluated: 2024-03-01. Review status: criteria provided, single submitter. Criteria: CeGaT Center For Human Genetics Tuebingen Variant Classification Criteria Version 2. Collection method: clinical testing. Allele origin: germline. Affected: yes. Observed: 2 variant alleles.
Comment: RBM20: BP4, BP7

Ambry Genetics
Classification: Likely benign for Cardiovascular phenotype. Last evaluated: 2023-10-08. Review status: criteria provided, single submitter. Criteria: Ambry Variant Classification Scheme 2023. Collection method: clinical testing. Allele origin: germline.

Labcorp Genetics (formerly Invitae), Labcorp
Classification: Likely benign for Dilated cardiomyopathy 1DD. Last evaluated: 2023-05-24. Review status: criteria provided, single submitter. Criteria: Invitae Variant Classification Sherloc (09022015). Collection method: clinical testing. Allele origin: germline.

NM_001134363.3(RBM20):c.195C>T (p.Ala65=)

Gene: RBM20 (RNA binding motif protein 20; plus strand). Cytogenetic location: 10q25.2.
Variant type: single nucleotide variant.
Coding change: c.195C>T on transcript NM_001134363.3 (MANE Select); coding-DNA position 195, C replaced by T.
Protein change: p.Ala65=; no amino-acid change (alanine 65 retained).
Molecular consequence: synonymous variant.
Genome position (GRCh38, 1-based): chr10:110,780,804, C>T. VCF-style: chr10-110780804-C-T. GRCh37 (hg19) VCF-style: chr10-112540562-C-T.
Identifiers: ClinVar variation 2570777 (VCV002570777.32), dbSNP rs1286165001, ClinGen allele CA471506473.
Genomic context (GRCh38, chr10:110,780,804, plus strand): 5'-CCCCTTGCCCCCCTCATTGAAAACCAGCTGTGCATCTAGACCTCTGTCTTCCCACAGTGC[C>T]GCCAAGCTCCTGGACAAGAACCCATTCTCGGTCAGTAACCCGAACCCTCTGCTTCCTTCA-3'
Protein context (NP_001127835.2, residues 55-75): QAGLPQIIQN[Ala65=]AKLLDKNPFS